The following is an entry in ClinVar:

ClinVar aggregate classification (germline): Uncertain significance. Review status: criteria provided, multiple submitters, no conflicts (2 of 4 stars). 3 submissions from 3 submitters: Uncertain significance (3). Last evaluated 2026-06-17.

Conditions:
Hereditary pheochromocytoma and paraganglioma. Also called: Hereditary Paraganglioma-Pheochromocytoma Syndromes; Hereditary paragangliomas and pheochromocytomas; Hereditary pheochromocytoma-paraganglioma. Identifiers: Orphanet 29072, MedGen C4274332, MONDO:0017366.
Hereditary cancer-predisposing syndrome. Also called: Neoplastic Syndromes, Hereditary; Hereditary Cancer Syndrome; Tumor predisposition; Hereditary neoplastic syndrome. Identifiers: Orphanet 140162, MedGen C0027672, MeSH D009386, MONDO:0015356.

Allele frequency attached by ClinVar (database versions not stated): gnomAD exomes 0.00001; TOPMed 0.00001.
gnomAD v4.1: 3 of 1,614,162 alleles (0.00019%); highest among the groups gnomAD compares: Non-Finnish European, 0.00025%; no homozygotes.

Submissions (3):

Ambry Genetics
Classification: Uncertain significance for Hereditary cancer-predisposing syndrome. Last evaluated: 2026-06-17. Review status: criteria provided, single submitter. Criteria: Ambry Variant Classification Scheme 2023. Collection method: clinical testing. Allele origin: germline.

Labcorp Genetics (formerly Invitae), Labcorp
Classification: Uncertain significance for Hereditary pheochromocytoma and paraganglioma. Last evaluated: 2026-01-18. Review status: criteria provided, single submitter. Criteria: Invitae Variant Classification Sherloc (09022015). Collection method: clinical testing. Allele origin: germline.
Comment: This sequence change replaces serine, which is neutral and polar, with phenylalanine, which is neutral and non-polar, at codon 167 of the TMEM127 protein (p.Ser167Phe). This variant is not present in population databases (gnomAD no frequency). This variant has not been reported in the literature in individuals affected with TMEM127-related conditions. ClinVar contains an entry for this variant (Variation ID: 952912). An algorithm developed to predict the effect of missense changes on protein structure and function (PolyPhen-2) suggests that this variant is likely to be disruptive. In summary, the available evidence is currently insufficient to determine the role of this variant in disease. Therefore, it has been classified as a Variant of Uncertain Significance.

Quest Diagnostics Nichols Institute San Juan Capistrano
Classification: Uncertain significance. Last evaluated: 2024-12-16. Review status: criteria provided, single submitter. Criteria: Quest Diagnostics criteria. Collection method: clinical testing. Allele origin: unknown.
Comment: The TMEM127 c.500C>T (p.Ser167Phe) variant has not been reported in individuals with TMEM127-related conditions in the published literature. It also has not been reported in large, multi-ethnic general populations (Genome Aggregation Database). Analysis of this variant using bioinformatics tools for the prediction of the effect of amino acid changes on protein structure and function yielded predictions that this variant is damaging. Based on the available information, we are unable to determine the clinical significance of this variant.

NM_017849.4(TMEM127):c.500C>T (p.Ser167Phe)

Gene: TMEM127 (transmembrane protein 127; minus strand). Cytogenetic location: 2q11.2.
Variant type: single nucleotide variant.
Coding change: c.500C>T on transcript NM_017849.4 (MANE Select); coding-DNA position 500, C replaced by T.
Protein change: p.Ser167Phe; replaces serine 167 with phenylalanine.
Molecular consequence: missense variant.
Genome position (GRCh38, 1-based): chr2:96,254,025, G>A on the plus strand (C>T on the coding strand, the complement: TMEM127 is on the minus strand). VCF-style: chr2-96254025-G-A. GRCh37 (hg19) VCF-style: chr2-96919763-G-A.
Other names: c.500C>T, p.Ser167Phe (NM_001193304.3); short protein forms S167F.
Identifiers: ClinVar variation 952912 (VCV000952912.14), dbSNP rs994504317, ClinGen allele CA52412069.